The following is an entry in ClinVar:

ClinVar aggregate classification (germline): Uncertain significance (1 of 4 stars; one submission).

Allele frequency attached by ClinVar (database versions not stated): gnomAD exomes below 0.00001.
gnomAD v4.1: 1 of 1,598,466 alleles (0.000063%); highest among the groups gnomAD compares: Non-Finnish European, 0.000085%; no homozygotes.

Submission:

Labcorp Genetics (formerly Invitae), Labcorp
Classification: Uncertain significance. Last evaluated: 2021-06-16. Review status: criteria provided, single submitter. Criteria: Invitae Variant Classification Sherloc (09022015). Collection method: clinical testing. Allele origin: germline.
Comment: This variant has not been reported in the literature in individuals with TRAF3IP1-related conditions. This sequence change replaces leucine with serine at codon 366 of the TRAF3IP1 protein (p.Leu366Ser). The leucine residue is weakly conserved and there is a large physicochemical difference between leucine and serine. This variant is not present in population databases (ExAC no frequency). Algorithms developed to predict the effect of missense changes on protein structure and function output the following: SIFT: "Deleterious"; PolyPhen-2: "Benign"; Align-GVGD: "Class C0". The serine amino acid residue is found in multiple mammalian species, suggesting that this missense change does not adversely affect protein function. These predictions have not been confirmed by published functional studies and their clinical significance is uncertain. In summary, the available evidence is currently insufficient to determine the role of this variant in disease. Therefore, it has been classified as a Variant of Uncertain Significance.

NM_015650.4(TRAF3IP1):c.1097T>C (p.Leu366Ser)

Gene: TRAF3IP1 (TRAF3 interacting protein 1; plus strand). Cytogenetic location: 2q37.3.
Variant type: single nucleotide variant.
Coding change: c.1097T>C on transcript NM_015650.4 (MANE Select); coding-DNA position 1097, T replaced by C.
Protein change: p.Leu366Ser; replaces leucine 366 with serine.
Molecular consequence: missense variant. On other transcripts: intron variant (1).
Genome position (GRCh38, 1-based): chr2:238,338,395, T>C. VCF-style: chr2-238338395-T-C. GRCh37 (hg19) VCF-style: chr2-239247036-T-C.
Other names: c.1063+4360T>C (NM_001139490.1); short protein forms L366S.
Identifiers: ClinVar variation 1346424 (VCV001346424.8), dbSNP rs2106377234, ClinGen allele CA351249228.